The following is an entry in ClinVar:

NM_000038.6(APC):c.1959-139C>A

Gene: APC (APC regulator of WNT signaling pathway; plus strand). Cytogenetic location: 5q22.2.
Variant type: single nucleotide variant.
Coding change: c.1959-139C>A on transcript NM_000038.6 (MANE Select); 139 bases into the intron before coding-DNA position 1959, C replaced by A.
Molecular consequence: intron variant.
Genome position (GRCh38, 1-based): chr5:112,837,414, C>A. VCF-style: chr5-112837414-C-A. GRCh37 (hg19) VCF-style: chr5-112173111-C-A.
Other names: c.1959-139C>A (NM_001354895.2, NM_001127510.3); c.1989-139C>A (NM_001354897.2); c.1686-139C>A (NM_001354902.2); c.1905-139C>A (NM_001127511.3); c.1884-139C>A (NM_001354898.2); c.1581-139C>A (NM_001354904.2); c.1110-139C>A (NM_001354906.2); c.2013-139C>A (NM_001354896.2); and 5 more.
Identifiers: ClinVar variation 83232 (VCV000083232.2), dbSNP rs78611569, ClinGen allele CA006788.

ClinVar aggregate classification (germline): other (0 of 4 stars; one submission).

Conditions:
Familial colorectal cancer. Identifiers: MedGen CN280943, MONDO:0023113. Disease mechanism: loss of function.

Allele frequency attached by ClinVar (database versions not stated): TOPMed 0.00001; gnomAD 0.00003; gnomAD exomes 0.00003.
gnomAD v4.1: 15 of 504,248 alleles (0.003%); highest among the groups gnomAD compares: Non-Finnish European, 0.0047%; no homozygotes.

Submission:

Systems Biology Platform Zhejiang California International NanoSystems Institute
Classification: other for Familial colorectal cancer. Review status: no assertion criteria provided. Collection method: not provided. Allele origin: unknown.
ClinVar note: Converted during submission from cancer to other.